The following is an entry in ClinVar:

NM_005591.4(MRE11):c.1098+1408A>G

Gene: MRE11 (MRE11 double strand break repair nuclease; minus strand). Cytogenetic location: 11q21.
Variant type: single nucleotide variant.
Coding change: c.1098+1408A>G on transcript NM_005591.4 (MANE Select); 1408 bases into the intron after coding-DNA position 1098, A replaced by G.
Molecular consequence: intron variant.
Genome position (GRCh38, 1-based): chr11:94,466,405, T>C on the plus strand (A>G on the coding strand, the complement: MRE11 is on the minus strand). VCF-style: chr11-94466405-T-C. GRCh37 (hg19) VCF-style: chr11-94199571-T-C.
Other names: c.1098+1408A>G (NM_001330347.2, NM_005590.4).
Identifiers: ClinVar variation 60646 (VCV000060646.1), dbSNP rs200367125, ClinGen allele CA144584.

ClinVar aggregate classification (germline): other (0 of 4 stars; one submission).

Conditions:
Malignant tumor of urinary bladder. Also called: Urinary bladder cancer; Urinary Bladder Neoplasms; Bladder cancer. Identifiers: MedGen C0005684, MONDO:0001187, OMIM 109800.

Allele frequency attached by ClinVar (database versions not stated): 1000 Genomes Project 0.00040; 1000 Genomes Project 30x 0.00047; gnomAD 0.00083 and 0.00087; TOPMed 0.00099; gnomAD exomes 0.00107.
gnomAD v4.1: 482 of 484,694 alleles (0.099%); highest among the groups gnomAD compares: Middle Eastern, 0.22%; no homozygotes.

Submission:

Gray Institute for Radiation Oncology & Biology, University of Oxford
Classification: other. Review status: no assertion criteria provided. Collection method: not provided. Allele origin: germline.
Comment: Detected by next-generation sequencing & confirmed by Sanger sequencing